The following is an entry in ClinVar:

ClinVar aggregate classification (germline): Likely benign (1 of 4 stars; one submission).

Submission:

GeneDx
Classification: Likely benign. Last evaluated: 2023-08-23. Review status: criteria provided, single submitter. Criteria: GeneDx Variant Classification Process June 2021. Collection method: clinical testing. Allele origin: germline. Affected: yes.
Comment: See Variant Classification Assertion Criteria.

NM_001385012.1(NBEA):c.7685T>C (p.Met2562Thr)

Gene: NBEA (neurobeachin; plus strand). Cytogenetic location: 13q13.3.
Variant type: single nucleotide variant.
Coding change: c.7685T>C on transcript NM_001385012.1 (MANE Select); coding-DNA position 7685, T replaced by C.
Protein change: p.Met2562Thr; replaces methionine 2562 with threonine.
Molecular consequence: missense variant.
Genome position (GRCh38, 1-based): chr13:35,646,263, T>C. VCF-style: chr13-35646263-T-C. GRCh37 (hg19) VCF-style: chr13-36220400-T-C.
Other names: c.1001T>C, p.Met334Thr (NM_001204197.3); c.7676T>C, p.Met2559Thr (NM_001379245.1); c.7622T>C, p.Met2541Thr (NM_015678.5); short protein forms M2541T, M2559T, M2562T, M334T.
Identifiers: ClinVar variation 2571928 (VCV002571928.3), dbSNP rs2549993544, ClinGen allele CA387838225.